The following is an entry in ClinVar:

NC_000002.11:g.(?_215610463)_(215611817_?)del

Gene: BARD1 (BRCA1 associated RING domain 1; minus strand). Cytogenetic location: 2q35.
Variant type: Deletion.
Identifiers: ClinVar variation 3247183 (VCV003247183.1).

ClinVar aggregate classification (germline): Likely pathogenic (1 of 4 stars; one submission).

Conditions:
Familial cancer of breast. Also called: BREAST CANCER, FAMILIAL; Hereditary breast cancer; hereditary breast carcinoma. Identifiers: Orphanet 227535, MedGen C0346153, MONDO:0016419, OMIM 114480. Disease mechanism: loss of function.

Submission:

Labcorp Genetics (formerly Invitae), Labcorp
Classification: Likely pathogenic for Familial cancer of breast. Last evaluated: 2023-02-17. Review status: criteria provided, single submitter. Criteria: Invitae Variant Classification Sherloc (09022015). Collection method: clinical testing. Allele origin: unknown.
Comment: This variant results in the deletion of part of exon 8 (c.1678-1239_1793delins27) of the BARD1 gene. It is expected to disrupt RNA splicing. Variants that disrupt the donor or acceptor splice site typically lead to a loss of protein function (PMID: 16199547), and loss-of-function variants in BARD1 are known to be pathogenic (PMID: 20077502, 21344236). This variant has not been reported in the literature in individuals affected with BARD1-related conditions. In summary, the currently available evidence indicates that the variant is pathogenic, but additional data are needed to prove that conclusively. Therefore, this variant has been classified as Likely Pathogenic.

Literature cited by the submitters: PubMed 16199547; PubMed 20077502; PubMed 21344236.